The following is an entry in ClinVar:

ClinVar aggregate classification (germline): Uncertain significance (1 of 4 stars; one submission).

Conditions:
Hereditary spastic paraplegia 73. Also called: Spastic paraplegia 73, autosomal dominant. Identifiers: Orphanet 444099, MedGen C5568981, MONDO:0014568, OMIM 616282.

Allele frequency attached by ClinVar (database versions not stated): ExAC 0.00001.
gnomAD v4.1: 13 of 875,000 alleles (0.0015%); highest among the groups gnomAD compares: Admixed American, 0.0026%; no homozygotes.

Submission:

Labcorp Genetics (formerly Invitae), Labcorp
Classification: Uncertain significance for Hereditary spastic paraplegia 73. Last evaluated: 2022-06-13. Review status: criteria provided, single submitter. Criteria: Invitae Variant Classification Sherloc (09022015). Collection method: clinical testing. Allele origin: germline.
Comment: This variant is present in population databases (rs552439061, gnomAD 0.003%). This variant has not been reported in the literature in individuals affected with CPT1C-related conditions. Algorithms developed to predict the effect of sequence changes on RNA splicing suggest that this variant may create or strengthen a splice site. In summary, the available evidence is currently insufficient to determine the role of this variant in disease. Therefore, it has been classified as a Variant of Uncertain Significance. This sequence change falls in intron 18 of the CPT1C gene. It does not directly change the encoded amino acid sequence of the CPT1C protein.

NM_001199753.2(CPT1C):c.2133+16C>T

Gene: CPT1C (carnitine palmitoyltransferase 1C; plus strand). Cytogenetic location: 19q13.33.
Variant type: single nucleotide variant.
Coding change: c.2133+16C>T on transcript NM_001199753.2 (MANE Select); 16 bases into the intron after coding-DNA position 2133, C replaced by T.
Molecular consequence: intron variant.
Genome position (GRCh38, 1-based): chr19:49,712,865, C>T. VCF-style: chr19-49712865-C-T. GRCh37 (hg19) VCF-style: chr19-50216122-C-T.
Other names: c.2100+16C>T (NM_001378485.1, NM_001136052.3); c.2133+16C>T (NM_001378483.1, NM_001199752.3, NM_152359.3 and 1 more transcripts); c.1998+16C>T (NM_001378486.1, NM_001378488.1); c.2199+16C>T (NM_001378482.1); c.1965+16C>T (NM_001378487.1).
Identifiers: ClinVar variation 1930297 (VCV001930297.5), dbSNP rs552439061, ClinGen allele CA9582424.
Genomic context (GRCh38, chr19:49,712,865, plus strand): 5'-CACAATTACCCGGACTATGTTTCCTCAGGCGGTGGATTCGGGCCTGTGAGTGGAGCTGGG[C>T]GCGCTGGCCCCCAGAGGAAAGAGGGGGCTGGGGGGCCTGCACTCCTGCATAGTGGGGGTG-3'